The following is an entry in ClinVar:

NM_174936.4(PCSK9):c.889C>T (p.Leu297Phe)

Gene: PCSK9 (proprotein convertase subtilisin/kexin type 9; plus strand). Cytogenetic location: 1p32.3.
Variant type: single nucleotide variant.
Coding change: c.889C>T on transcript NM_174936.4 (MANE Select); coding-DNA position 889, C replaced by T.
Protein change: p.Leu297Phe; replaces leucine 297 with phenylalanine.
Molecular consequence: missense variant. On other transcripts: non-coding transcript variant (8).
Genome position (GRCh38, 1-based): chr1:55,056,082, C>T. VCF-style: chr1-55056082-C-T. GRCh37 (hg19) VCF-style: chr1-55521755-C-T.
Other names: c.1012C>T, p.Leu338Phe (NM_001407240.1); c.889C>T, p.Leu297Phe (NM_001407241.1, NM_001407244.1, NM_001407247.1); c.892C>T, p.Leu298Phe (NM_001407242.1); c.832C>T, p.Leu278Phe (NM_001407243.1); c.697C>T, p.Leu233Phe (NM_001407245.1); c.514C>T, p.Leu172Phe (NM_001407246.1); short protein forms L172F, L233F, L278F, L297F, L298F, L338F.
Identifiers: ClinVar variation 2682041 (VCV002682041.4), dbSNP rs373664939, ClinGen allele CA044979.

ClinVar aggregate classification (germline): Conflicting classifications of pathogenicity. Review status: criteria provided, conflicting classifications (1 of 4 stars). 4 submissions from 4 submitters: Uncertain significance (3); Likely benign (1). Last evaluated 2024-03-10.

Conditions:
Cardiovascular phenotype. Identifiers: MedGen CN230736.
Familial hypercholesterolemia. Also called: Familial hypercholesterolaemia; Familial hypercholesterolemias. Identifiers: MedGen C0020445, MONDO:0005439.
Hypercholesterolemia, autosomal dominant, 3 (FHCL3). Also called: PCSK9-Related Familial Hypercholesterolemia, Autosomal Dominant; Familial hypercholesterolemia 3; Familial Hypercholesterolemia, Autosomal Dominant, 3. Identifiers: MedGen C1863551, MONDO:0011369, OMIM 603776.

Allele frequency attached by ClinVar (database versions not stated): TOPMed below 0.00001; ESP Exome Variant Server 0.00008.

Submissions (4):

Ambry Genetics
Classification: Likely benign for Cardiovascular phenotype. Last evaluated: 2024-03-10. Review status: criteria provided, single submitter. Criteria: Ambry Variant Classification Scheme 2023. Collection method: clinical testing. Allele origin: germline.

All of Us Research Program, National Institutes of Health
Classification: Uncertain significance for Hypercholesterolemia, autosomal dominant, 3. Last evaluated: 2023-12-18. Review status: criteria provided, single submitter. Criteria: ACMG Guidelines, 2015. Collection method: clinical testing. Allele origin: germline. Inheritance: Autosomal dominant inheritance. Observed: 1 variant allele, 1 heterozygote.
Comment: This missense variant replaces leucine with phenylalanine at codon 297 of the PCSK9 protein. Computational prediction suggests that this variant may not impact protein structure and function (internally defined REVEL score threshold <= 0.5, PMID: 27666373). To our knowledge, functional studies have not been reported for this variant. This variant has not been reported in individuals affected with PCSK9-related disorders in the literature. This variant has not been identified in the general population by the Genome Aggregation Database (gnomAD). The available evidence is insufficient to determine the role of this variant in disease conclusively. Therefore, this variant is classified as a Variant of Uncertain Significance.

This study involves interpretation of variants in research participants for the purpose of population health screening. Participant phenotype was not available at the time of variant classification. Additional details can be found in publication PMID: 35346344, PMCID: PMC8962531

Color Diagnostics, LLC DBA Color Health
Classification: Uncertain significance for Familial hypercholesterolemia. Last evaluated: 2023-11-22. Review status: criteria provided, single submitter. Criteria: ACMG Guidelines, 2015. Collection method: clinical testing. Allele origin: germline.
Comment: This missense variant replaces leucine with phenylalanine at codon 297 of the PCSK9 protein. Computational prediction suggests that this variant may not impact protein structure and function. To our knowledge, functional studies have not been reported for this variant. This variant has not been reported in individuals affected with PCSK9-related disorders in the literature. This variant has not been identified in the general population by the Genome Aggregation Database (gnomAD). The available evidence is insufficient to determine the role of this variant in disease conclusively. Therefore, this variant is classified as a Variant of Uncertain Significance.

Quest Diagnostics Nichols Institute San Juan Capistrano
Classification: Uncertain significance. Last evaluated: 2022-12-23. Review status: criteria provided, single submitter. Criteria: Quest Diagnostics criteria. Collection method: clinical testing. Allele origin: unknown.
Comment: This variant has not been reported in the published literature. It also has not been reported in large, multi-ethnic general populations. Analysis of this variant using bioinformatics tools for the prediction of the effect of amino acid changes on protein structure and function yielded conflicting predictions that this variant is deleterious or benign. Based on the available information, we are unable to determine the clinical significance of this variant.